The following is an entry in ClinVar:

NM_144670.6(A2ML1):c.2903G>A (p.Ser968Asn)

Gene: A2ML1 (alpha-2-macroglobulin like 1; plus strand). Cytogenetic location: 12p13.31.
Variant type: single nucleotide variant.
Coding change: c.2903G>A on transcript NM_144670.6 (MANE Select); coding-DNA position 2903, G replaced by A.
Protein change: p.Ser968Asn; replaces serine 968 with asparagine.
Molecular consequence: missense variant.
Genome position (GRCh38, 1-based): chr12:8,857,218, G>A. VCF-style: chr12-8857218-G-A. GRCh37 (hg19) VCF-style: chr12-9009814-G-A.
Other names: c.1430G>A, p.Ser477Asn (NM_001282424.3); short protein forms S477N, S968N.
Identifiers: ClinVar variation 1797482 (VCV001797482.5), dbSNP rs2539274712, ClinGen allele CA383836175.

ClinVar aggregate classification (germline): Uncertain significance. Review status: criteria provided, multiple submitters, no conflicts (2 of 4 stars). 2 submissions from 2 submitters: Uncertain significance (2). Last evaluated 2023-12-07.

Submissions (2):

Labcorp Genetics (formerly Invitae), Labcorp
Classification: Uncertain significance. Last evaluated: 2023-12-07. Review status: criteria provided, single submitter. Criteria: Invitae Variant Classification Sherloc (09022015). Collection method: clinical testing. Allele origin: germline.
Comment: This sequence change replaces serine, which is neutral and polar, with asparagine, which is neutral and polar, at codon 968 of the A2ML1 protein (p.Ser968Asn). This variant is not present in population databases (gnomAD no frequency). This variant has not been reported in the literature in individuals affected with A2ML1-related conditions. ClinVar contains an entry for this variant (Variation ID: 1797482). Algorithms developed to predict the effect of missense changes on protein structure and function output the following: SIFT: "Not Available"; PolyPhen-2: "Benign"; Align-GVGD: "Not Available". The asparagine amino acid residue is found in multiple mammalian species, which suggests that this missense change does not adversely affect protein function. In summary, the available evidence is currently insufficient to determine the role of this variant in disease. Therefore, it has been classified as a Variant of Uncertain Significance.

Ambry Genetics
Classification: Uncertain significance. Last evaluated: 2021-12-23. Review status: criteria provided, single submitter. Criteria: Ambry Variant Classification Scheme 2023. Collection method: clinical testing. Allele origin: germline.
Comment: The p.S968N variant (also known as c.2903G>A), located in coding exon 24 of the A2ML1 gene, results from a G to A substitution at nucleotide position 2903. The serine at codon 968 is replaced by asparagine, an amino acid with highly similar properties. This amino acid position is conserved. In addition, this alteration is predicted to be tolerated by in silico analysis. Since supporting evidence is limited at this time, the clinical significance of this alteration remains unclear.